The following is an entry in ClinVar:

NM_018105.3(THAP1):c.362C>T (p.Pro121Leu)

Gene: THAP1 (THAP domain containing 1; minus strand). Cytogenetic location: 8p11.21.
Variant type: single nucleotide variant.
Coding change: c.362C>T on transcript NM_018105.3 (MANE Select); coding-DNA position 362, C replaced by T.
Protein change: p.Pro121Leu; replaces proline 121 with leucine.
Molecular consequence: missense variant. On other transcripts: 3 prime UTR variant (1).
Genome position (GRCh38, 1-based): chr8:42,838,242, G>A on the plus strand (C>T on the coding strand, the complement: THAP1 is on the minus strand). VCF-style: chr8-42838242-G-A. GRCh37 (hg19) VCF-style: chr8-42693385-G-A.
Other names: c.*4C>T (NM_199003.2); short protein forms P121L.
Identifiers: ClinVar variation 3627809 (VCV003627809.2).

ClinVar aggregate classification (germline): Uncertain significance (1 of 4 stars; one submission).

Conditions:
Torsion dystonia 6 (DYT6). Also called: DYT-THAP1. Identifiers: Orphanet 98806, MedGen C1414216, MONDO:0011264, OMIM 602629.

gnomAD v4.1: 1 of 1,614,114 alleles (0.000062%); highest among the groups gnomAD compares: Non-Finnish European, 0.000085%; no homozygotes.

Submission:

Labcorp Genetics (formerly Invitae), Labcorp
Classification: Uncertain significance for Torsion dystonia 6. Last evaluated: 2024-11-24. Review status: criteria provided, single submitter. Criteria: Invitae Variant Classification Sherloc (09022015). Collection method: clinical testing. Allele origin: germline.
Comment: This sequence change replaces proline, which is neutral and non-polar, with leucine, which is neutral and non-polar, at codon 121 of the THAP1 protein (p.Pro121Leu). This variant is not present in population databases (gnomAD no frequency). This variant has not been reported in the literature in individuals affected with THAP1-related conditions. An algorithm developed to predict the effect of missense changes on protein structure and function (PolyPhen-2) suggests that this variant is likely to be tolerated. In summary, the available evidence is currently insufficient to determine the role of this variant in disease. Therefore, it has been classified as a Variant of Uncertain Significance.